The following is an entry in ClinVar:

NM_001122630.2(CDKN1C):c.292G>C (p.Val98Leu)

Gene: CDKN1C (cyclin dependent kinase inhibitor 1C; minus strand). Cytogenetic location: 11p15.4.
Variant type: single nucleotide variant.
Coding change: c.292G>C on transcript NM_001122630.2 (MANE Select); coding-DNA position 292, G replaced by C.
Protein change: p.Val98Leu; replaces valine 98 with leucine.
Molecular consequence: missense variant. On other transcripts: intron variant (1).
Genome position (GRCh38, 1-based): chr11:2,885,165, C>G on the plus strand (G>C on the coding strand, the complement: CDKN1C is on the minus strand). VCF-style: chr11-2885165-C-G. GRCh37 (hg19) VCF-style: chr11-2906395-C-G.
Other names: c.325G>C, p.Val109Leu (NM_000076.2, NM_001362474.2); c.292G>C, p.Val98Leu (NM_001122631.2); c.255+37G>C (NM_001362475.2); short protein forms V98L, V109L.
Identifiers: ClinVar variation 2993050 (VCV002993050.3), dbSNP rs2133785299, ClinGen allele CA379146932.
Genomic context (GRCh38, chr11:2,885,165, plus strand): 5'-GGCCGTCGAGGGACTCAGCGGCCGGCTCGAGGGGCGGGCTGACAGCCACCGCGACCGCGA[C>G]GGGCCGCGGCGCCAGCAGCAGGCGGCAGCGCCCCACCTGCACCGTCTCGCGGTAGAACGC-3'
Protein context (NP_001116102.1, residues 88-108): RCRLLLAPRP[Val98Leu]AVAVAVSPPL

ClinVar aggregate classification (germline): Uncertain significance (1 of 4 stars; one submission).

Conditions:
Beckwith-Wiedemann syndrome (BWS). Also called: EMG SYNDROME; Exomphalos macroglossia gigantism syndrome. Identifiers: Orphanet 116, MedGen C0004903, MONDO:0007534, OMIM 130650.

Submission:

Labcorp Genetics (formerly Invitae), Labcorp
Classification: Uncertain significance for Beckwith-Wiedemann syndrome. Last evaluated: 2024-04-08. Review status: criteria provided, single submitter. Criteria: Invitae Variant Classification Sherloc (09022015). Collection method: clinical testing. Allele origin: germline.
Comment: This sequence change replaces valine, which is neutral and non-polar, with leucine, which is neutral and non-polar, at codon 109 of the CDKN1C protein (p.Val109Leu). This variant is not present in population databases (gnomAD no frequency). This variant has not been reported in the literature in individuals affected with CDKN1C-related conditions. Advanced modeling of protein sequence and biophysical properties (such as structural, functional, and spatial information, amino acid conservation, physicochemical variation, residue mobility, and thermodynamic stability) performed at Invitae indicates that this missense variant is not expected to disrupt CDKN1C protein function with a negative predictive value of 80%. In summary, the available evidence is currently insufficient to determine the role of this variant in disease. Therefore, it has been classified as a Variant of Uncertain Significance.